The following is an entry in ClinVar:

NM_018136.5(ASPM):c.1922-41G>A

Gene: ASPM (assembly factor for spindle microtubules; minus strand). Cytogenetic location: 1q31.3.
Variant type: single nucleotide variant.
Coding change: c.1922-41G>A on transcript NM_018136.5 (MANE Select); 41 bases into the intron before coding-DNA position 1922, G replaced by A.
Molecular consequence: intron variant.
Genome position (GRCh38, 1-based): chr1:197,139,912, C>T on the plus strand (G>A on the coding strand, the complement: ASPM is on the minus strand). VCF-style: chr1-197139912-C-T. GRCh37 (hg19) VCF-style: chr1-197109042-C-T.
Other names: c.1922-41G>A (NM_001206846.2).
Identifiers: ClinVar variation 157788 (VCV000157788.10), dbSNP rs1332663, ClinGen allele CA171176.
Genomic context (GRCh38, chr1:197,139,912, plus strand): 5'-AGTTCTGAATATTGATAAATCTAAAATAAATTAGAAAACAAAACTAAGAGCATTAAAATA[C>T]AAATTCCCTAAATAGGTCAGTGATTTGAAAGTTAAAGTTTGGGTTCTTCACAATCATATT-3'

ClinVar aggregate classification (germline): Benign. Review status: criteria provided, multiple submitters, no conflicts (2 of 4 stars). 4 submissions from 4 submitters: Benign (3). 1 of the submissions does not count toward it. Last evaluated 2021-07-14.

Conditions:
Microcephaly 5, primary, autosomal recessive (MCPH5). Also called: ASPM Primary Microcephaly. Identifiers: Orphanet 2512, MedGen C1837501, MONDO:0012106, OMIM 608716.

Allele frequency attached by ClinVar (database versions not stated): ESP Exome Variant Server 0.75550; TOPMed 0.76515; 1000 Genomes Project 30x 0.76968; gnomAD 0.77179 and 0.78254; 1000 Genomes Project 0.78255; ExAC 0.87788; gnomAD exomes 0.88772 and 0.89810.
gnomAD v4.1: 1,242,309 of 1,403,488 alleles (89%); highest among the groups gnomAD compares: East Asian, 100%; 557,578 homozygotes.

Submissions (4):

Genome-Nilou Lab
Classification: Benign for Microcephaly 5, primary, autosomal recessive. Last evaluated: 2021-07-14. Review status: criteria provided, single submitter. Criteria: ACMG Guidelines, 2015. Collection method: clinical testing. Allele origin: germline. Affected: no.

GeneDx
Classification: Benign. Last evaluated: 2018-06-19. Review status: criteria provided, single submitter. Criteria: GeneDx Variant Classification (06012015). Collection method: clinical testing. Allele origin: germline. Affected: yes.
Comment: This variant is considered likely benign or benign based on one or more of the following criteria: it is a conservative change, it occurs at a poorly conserved position in the protein, it is predicted to be benign by multiple in silico algorithms, and/or has population frequency not consistent with disease.

Breakthrough Genomics
Classification: Benign. Review status: criteria provided, single submitter. Criteria: ACMG Guidelines, 2015. Collection method: not provided. Allele origin: germline. Inheritance: Autosomal recessive inheritance. Affected: yes.

Genetic Services Laboratory, University of Chicago
Classification: Likely benign. Review status: no assertion criteria provided. Collection method: clinical testing. Allele origin: germline. Inheritance: Autosomal recessive inheritance. Not counted in ClinVar's aggregate classification.
Comment: Likely benign based on allele frequency in 1000 Genomes Project or ESP global frequency and its presence in a patient with a rare or unrelated disease phenotype. NOT Sanger confirmed